The following is an entry in ClinVar:

NM_000152.5(GAA):c.1075+9T>C

Gene: GAA (alpha glucosidase; plus strand). Cytogenetic location: 17q25.3.
Variant type: single nucleotide variant.
Coding change: c.1075+9T>C on transcript NM_000152.5 (MANE Select); 9 bases into the intron after coding-DNA position 1075, T replaced by C.
Molecular consequence: intron variant.
Genome position (GRCh38, 1-based): chr17:80,108,418, T>C. VCF-style: chr17-80108418-T-C. GRCh37 (hg19) VCF-style: chr17-78082217-T-C.
Other names: c.1075+9T>C (LRG_673t1, NM_001079803.3, NM_001079804.3).
Identifiers: ClinVar variation 291212 (VCV000291212.22), dbSNP rs751918816, ClinGen allele CA8815140.

ClinVar aggregate classification (germline): Conflicting classifications of pathogenicity. Review status: criteria provided, conflicting classifications (1 of 4 stars). 6 submissions from 6 submitters: Uncertain significance (1); Likely benign (5). Last evaluated 2026-01-19.

Conditions:
Glycogen storage disease, type II (IOPD). Also called: CARDIOMEGALIA GLYCOGENICA DIFFUSA; Glycogen storage disease type 2; Acid maltase deficiency disease; Aglucosidase alfa; Deficiency of alpha-glucosidase; Deficiency of lysosomal alpha-glucosidase. Identifiers: Orphanet 365, MedGen C0017921, MONDO:0009290, OMIM 232300.

Allele frequency attached by ClinVar (database versions not stated): ExAC 0.00002; gnomAD exomes 0.00002 and 0.00007; gnomAD 0.00004 and 0.00005; TOPMed 0.00005.

Submissions (6):

Labcorp Genetics (formerly Invitae), Labcorp
Classification: Likely benign for Glycogen storage disease, type II. Last evaluated: 2026-01-19. Review status: criteria provided, single submitter. Criteria: Invitae Variant Classification Sherloc (09022015). Collection method: clinical testing. Allele origin: germline.

Women's Health and Genetics/Laboratory Corporation of America, LabCorp
Classification: Likely benign. Last evaluated: 2024-12-12. Review status: criteria provided, single submitter. Criteria: LabCorp Variant Classification Summary - May 2015. Collection method: clinical testing. Allele origin: germline.

Blueprint Genetics
Classification: Likely benign. Last evaluated: 2022-12-27. Review status: criteria provided, single submitter. Criteria: ACMG Guidelines, 2015. Collection method: clinical testing. Allele origin: germline.

Broad Center for Mendelian Genomics, Broad Institute of MIT and Harvard
Classification: Likely benign for Glycogen storage disease, type II. Last evaluated: 2020-01-22. Review status: criteria provided, single submitter. Criteria: ACMG Guidelines, 2015. Collection method: curation. Allele origin: germline. Inheritance: Autosomal recessive inheritance.
Comment: The c.1075+9T>C variant in GAA has not been previously reported in individuals with Glycogen Storage Disease II but has been reported as a VUS by EGL Genetic Diagnostics and a likely benign variant by GeneDx in ClinVar (Variation ID: 291212). This variant has been identified in 0.006% (8/128520) of European (non-Finnish) chromosomes by the Genome Aggregation Database (gnomAD; dbSNP rs751918816). Although this variant has been seen in the general population, its frequency is low enough to be consistent with a recessive carrier frequency. Computational prediction tools and conservation analyses suggest that this variant may not impact the protein, though this information is not predictive enough to rule out pathogenicity. However, novel synonymous variants supported by computational evidence without raised suspicion for an impact are likely benign (Richards 2015). In summary, although additional studies are required to fully establish its clinical significance, this variant is likely benign. ACMG/AMP Criteria applied: PM2, BP4, BP7 (Richards 2015).

GeneDx
Classification: Likely benign. Last evaluated: 2017-12-07. Review status: criteria provided, single submitter. Criteria: GeneDx Variant Classification (06012015). Collection method: clinical testing. Allele origin: germline. Affected: yes.
Comment: This variant is considered likely benign or benign based on one or more of the following criteria: it is a conservative change, it occurs at a poorly conserved position in the protein, it is predicted to be benign by multiple in silico algorithms, and/or has population frequency not consistent with disease.

Eurofins Ntd Llc (ga)
Classification: Uncertain significance. Last evaluated: 2016-09-15. Review status: criteria provided, single submitter. Criteria: EGL Classification Definitions 2015. Collection method: clinical testing. Allele origin: germline. Observed: 1 variant allele, 1 heterozygote.